The following is an entry in ClinVar:

ClinVar aggregate classification (germline): Likely pathogenic (1 of 4 stars; one submission).

Conditions:
Microcephaly 8, primary, autosomal recessive. Identifiers: Orphanet 2512, MedGen C3553414, MONDO:0013849, OMIM 614673.

Submission:

First Genomix Gene Laboratory, Genetic Diagnostics Department
Classification: Likely pathogenic for Microcephaly 8, primary, autosomal recessive. Last evaluated: 2025-08-05. Review status: criteria provided, single submitter. Criteria: ACMG Guidelines, 2015. Collection method: clinical testing. Allele origin: germline. Inheritance: Autosomal recessive inheritance. Affected: no. Observed: 1 variant allele.

NM_025009.5(CEP135):c.1597A>T (p.Arg533Ter)

Gene: CEP135 (centrosomal protein 135; plus strand). Cytogenetic location: 4q12.
Variant type: single nucleotide variant.
Coding change: c.1597A>T on transcript NM_025009.5 (MANE Select); coding-DNA position 1597, A replaced by T.
Protein change: p.Arg533Ter; replaces arginine 533 with a stop codon.
Molecular consequence: nonsense.
Genome position (GRCh38, 1-based): chr4:55,980,266, A>T. VCF-style: chr4-55980266-A-T. GRCh37 (hg19) VCF-style: chr4-56846432-A-T.
Other names: short protein forms R533*.
Identifiers: ClinVar variation 4850600 (VCV004850600.1).